The following is an entry in ClinVar:

NM_018668.5(VPS33B):c.1540G>A (p.Gly514Ser)

Gene: VPS33B (VPS33B late endosome and lysosome associated; minus strand). Cytogenetic location: 15q26.1.
Variant type: single nucleotide variant.
Coding change: c.1540G>A on transcript NM_018668.5 (MANE Select); coding-DNA position 1540, G replaced by A.
Protein change: p.Gly514Ser; replaces glycine 514 with serine.
Molecular consequence: missense variant.
Genome position (GRCh38, 1-based): chr15:91,000,531, C>T on the plus strand (G>A on the coding strand, the complement: VPS33B is on the minus strand). VCF-style: chr15-91000531-C-T. GRCh37 (hg19) VCF-style: chr15-91543761-C-T.
Other names: c.1540G>A (NM_018668.4); c.1459G>A, p.Gly487Ser (NM_001289148.1); c.1267G>A, p.Gly423Ser (NM_001289149.1); short protein forms G514S, G423S, G487S.
Identifiers: ClinVar variation 261041 (VCV000261041.24), dbSNP rs11073964, ClinGen allele CA7744601.
Genomic context (GRCh38, chr15:91,000,531, plus strand): 5'-AAGAATTACATGCTCTCACCTGCTCAATGATTCGGCAGCTCAGGGGCACATAAGCACCAC[C>T]GAAGACGTAAGCCATGTCTCGGGGCACTTTCAGATCATACTCGCCGTCCACACGTGGGAT-3'
Protein context (NP_061138.3, residues 504-524): KVPRDMAYVF[Gly514Ser]GAYVPLSCRI

ClinVar aggregate classification (germline): Benign. Review status: criteria provided, multiple submitters, no conflicts (2 of 4 stars). 11 submissions from 11 submitters: Benign (9). 2 of the submissions do not count toward it. Last evaluated 2026-02-04.

Conditions:
Arthrogryposis, renal dysfunction, and cholestasis 1 (ARCS1). Identifiers: Orphanet 2697, MedGen C1859722, MONDO:0008822, OMIM 208085.

Allele frequency attached by ClinVar (database versions not stated): ESP Exome Variant Server 0.56127; gnomAD 0.58143; TOPMed 0.62439; 1000 Genomes Project 30x 0.76499; 1000 Genomes Project 0.76777.
gnomAD v4.1: 751,852 of 1,613,018 alleles (47%); highest among the groups gnomAD compares: East Asian, 100%; 197,039 homozygotes.

Submissions (11):

Labcorp Genetics (formerly Invitae), Labcorp
Classification: Benign. Last evaluated: 2026-02-04. Review status: criteria provided, single submitter. Criteria: Invitae Variant Classification Sherloc (09022015). Collection method: clinical testing. Allele origin: germline.

Blueprint Genetics
Classification: Benign. Last evaluated: 2024-11-27. Review status: criteria provided, single submitter. Criteria: ACMG Guidelines, 2015. Collection method: clinical testing. Allele origin: germline.

Mayo Clinic Laboratories, Mayo Clinic
Classification: Benign. Last evaluated: 2022-09-29. Review status: criteria provided, single submitter. Criteria: ACMG Guidelines, 2015. Collection method: clinical testing. Allele origin: germline. Observed: 848 variant alleles.

Genome-Nilou Lab
Classification: Benign for Arthrogryposis, renal dysfunction, and cholestasis 1. Last evaluated: 2021-12-05. Review status: criteria provided, single submitter. Criteria: ACMG Guidelines, 2015. Collection method: clinical testing. Allele origin: germline. Affected: no.

Mendelics
Classification: Benign for Arthrogryposis, renal dysfunction, and cholestasis 1. Last evaluated: 2019-05-28. Review status: criteria provided, single submitter. Criteria: Mendelics Assertion Criteria 2017. Collection method: clinical testing. Allele origin: unknown.

GeneDx
Classification: Benign. Last evaluated: 2018-11-12. Review status: criteria provided, single submitter. Criteria: GeneDx Variant Classification Process June 2021. Collection method: clinical testing. Allele origin: germline. Affected: yes.

Illumina Laboratory Services, Illumina
Classification: Benign for Arthrogryposis, renal dysfunction, and cholestasis 1. Last evaluated: 2018-01-12. Review status: criteria provided, single submitter. Criteria: ICSL Variant Classification Criteria 13 December 2019. Collection method: clinical testing. Allele origin: germline.
Comment: This variant was observed in the ICSL laboratory as part of a predisposition screen in an ostensibly healthy population. It had not been previously curated by ICSL or reported in the Human Gene Mutation Database (HGMD: prior to June 1st, 2018), and was therefore a candidate for classification through an automated scoring system. Utilizing variant allele frequency, disease prevalence and penetrance estimates, and inheritance mode, an automated score was calculated to assess if this variant is too frequent to cause the disease. Based on the score and internal cut-off values, a variant classified as benign is not then subjected to further curation. The score for this variant resulted in a classification of benign for this disease.

Breakthrough Genomics
Classification: Benign. Review status: criteria provided, single submitter. Criteria: ACMG Guidelines, 2015. Collection method: not provided. Allele origin: germline. Inheritance: Autosomal recessive inheritance. Affected: yes.

PreventionGenetics, part of Exact Sciences
Classification: Benign. Review status: criteria provided, single submitter. Criteria: ACMG Guidelines, 2015. Collection method: clinical testing. Allele origin: germline.

Diagnostic Laboratory, Department of Genetics, University Medical Center Groningen
Classification: Benign. Review status: no assertion criteria provided. Collection method: clinical testing. Allele origin: germline. Affected: yes. Study: VKGL Data-share Consensus. Not counted in ClinVar's aggregate classification.

Joint Genome Diagnostic Labs from Nijmegen and Maastricht, Radboudumc and MUMC+
Classification: Benign. Review status: no assertion criteria provided. Collection method: clinical testing. Allele origin: germline. Affected: yes. Study: VKGL Data-share Consensus. Not counted in ClinVar's aggregate classification.